The following is an entry in ClinVar:

ClinVar aggregate classification (germline): Uncertain significance (1 of 4 stars; one submission).

Conditions:
TRPC5-related disorder. Also called: TRPC5-related condition.

Submission:

PreventionGenetics, part of Exact Sciences
Classification: Uncertain significance for TRPC5-related condition. Last evaluated: 2026-05-27. Review status: criteria provided, single submitter. Criteria: ACMG Guidelines, 2015. Collection method: clinical testing. Allele origin: germline.
Comment: The TRPC5 c.2326G>T variant is predicted to result in premature protein termination (p.Glu776*). To our knowledge, this variant has not been reported in the literature or in a large population database (gnomAD), indicating this variant is rare. Of note, an association of human TRPC5 variants with diseases has not been established. At this time, the clinical significance of this variant is uncertain due to the absence of conclusive functional and genetic evidence.

NM_012471.3(TRPC5):c.2326G>T (p.Glu776Ter)

Gene: TRPC5 (transient receptor potential cation channel subfamily C member 5; minus strand). Cytogenetic location: Xq23.
Variant type: single nucleotide variant.
Coding change: c.2326G>T on transcript NM_012471.3 (MANE Select); coding-DNA position 2326, G replaced by T.
Protein change: p.Glu776Ter; replaces glutamic acid 776 with a stop codon.
Molecular consequence: nonsense.
Genome position (GRCh38, 1-based): chrX:111,776,909, C>A on the plus strand (G>T on the coding strand, the complement: TRPC5 is on the minus strand). VCF-style: chrX-111776909-C-A. GRCh37 (hg19) VCF-style: chrX-111020137-C-A.
Other names: short protein forms E776*.
Identifiers: ClinVar variation 4996539 (VCV004996539.1).